The following is an entry in ClinVar:

ClinVar aggregate classification (germline): Uncertain significance (1 of 4 stars; one submission).

Conditions:
Emery-Dreifuss muscular dystrophy 4, autosomal dominant (EDMD4). Also called: EMERY-DREIFUSS MUSCULAR DYSTROPHY 4 WITH VARIABLE FEATURES. Identifiers: Orphanet 261, MedGen C2751807, MONDO:0013071, OMIM 612998.
Autosomal recessive ataxia, Beauce type. Also called: SYNE1 Deficiency; Spinocerebellar ataxia, autosomal recessive 8; ATAXIA, RECESSIVE, OF BEAUCE; SYNE1-Related Autosomal Recessive Cerebellar Ataxia. Identifiers: Orphanet 88644, MedGen C1853116, MONDO:0012549, OMIM 610743.

Allele frequency attached by ClinVar (database versions not stated): gnomAD 0.00001.
gnomAD v4.1: 1 of 1,613,948 alleles (0.000062%); highest among the groups gnomAD compares: African/African-American, 0.0013%; no homozygotes.

Submission:

Labcorp Genetics (formerly Invitae), Labcorp
Classification: Uncertain significance for Emery-Dreifuss muscular dystrophy 4, autosomal dominant; Autosomal recessive ataxia, Beauce type. Last evaluated: 2022-08-05. Review status: criteria provided, single submitter. Criteria: Invitae Variant Classification Sherloc (09022015). Collection method: clinical testing. Allele origin: germline.
Comment: This variant is not present in population databases (gnomAD no frequency). In summary, the available evidence is currently insufficient to determine the role of this variant in disease. Therefore, it has been classified as a Variant of Uncertain Significance. Algorithms developed to predict the effect of missense changes on protein structure and function (SIFT, PolyPhen-2, Align-GVGD) all suggest that this variant is likely to be disruptive. This variant has not been reported in the literature in individuals affected with SYNE1-related conditions. This sequence change replaces glutamine, which is neutral and polar, with leucine, which is neutral and non-polar, at codon 4421 of the SYNE1 protein (p.Gln4421Leu).

NM_182961.4(SYNE1):c.13475A>T (p.Gln4492Leu)

Gene: SYNE1 (spectrin repeat containing nuclear envelope protein 1; minus strand). Cytogenetic location: 6q25.2.
Variant type: single nucleotide variant.
Coding change: c.13475A>T on transcript NM_182961.4 (MANE Select); coding-DNA position 13475, A replaced by T.
Protein change: p.Gln4492Leu; replaces glutamine 4492 with leucine.
Molecular consequence: missense variant.
Genome position (GRCh38, 1-based): chr6:152,331,210, T>A on the plus strand (A>T on the coding strand, the complement: SYNE1 is on the minus strand). VCF-style: chr6-152331210-T-A. GRCh37 (hg19) VCF-style: chr6-152652345-T-A.
Other names: c.13262A>T, p.Gln4421Leu (NM_033071.5); short protein forms Q4421L, Q4492L.
Identifiers: ClinVar variation 2102221 (VCV002102221.4), dbSNP rs2096240944, ClinGen allele CA366101601.
Genomic context (GRCh38, chr6:152,331,210, plus strand): 5'-CCAGTGACTTCATTTTGGTAAGTCTTGAGGCTGGCTTGTGCACTCTTACATGTTTTGACT[T>A]GTTTGCTCACATCATCTGGTAACAGACAGATGTGTTCACGGAACATTATCTTTCGCTCAT-3'
Protein context (NP_892006.3, residues 4482-4502): ICLLPDDVSK[Gln4492Leu]VKTCKSAQAS